The following is an entry in ClinVar:

NM_015910.7(WDPCP):c.500-303G>C

Gene: WDPCP (WD repeat containing planar cell polarity effector; minus strand). Cytogenetic location: 2p15.
Variant type: single nucleotide variant.
Coding change: c.500-303G>C on transcript NM_015910.7 (MANE Select); 303 bases into the intron before coding-DNA position 500, G replaced by C.
Molecular consequence: intron variant.
Genome position (GRCh38, 1-based): chr2:63,437,857, C>G on the plus strand (G>C on the coding strand, the complement: WDPCP is on the minus strand). VCF-style: chr2-63437857-C-G. GRCh37 (hg19) VCF-style: chr2-63664991-C-G.
Other names: c.428-303G>C (NM_001354044.2); c.22+5G>C (NM_001042692.3); c.500-303G>C (NM_001354045.2).
Identifiers: ClinVar variation 5002292 (VCV005002292.1).
Genomic context (GRCh38, chr2:63,437,857, plus strand): 5'-CACCAATGGATGAGATGTATTTAGAAACAGGGCTATAAAGGTATTTTTAAAAAACTATTT[C>G]GCACCTGAATGTAGAGACGAAAACATTCCATTTTATTTGTGCTAAGAGTTTAATCCTATG-3'

ClinVar aggregate classification (germline): Uncertain significance (1 of 4 stars; one submission).

Conditions:
WDPCP-related disorder. Also called: WDPCP-related condition.

Submission:

PreventionGenetics, part of Exact Sciences
Classification: Uncertain significance for WDPCP-related condition. Last evaluated: 2025-02-22. Review status: criteria provided, single submitter. Criteria: ACMG Guidelines, 2015. Collection method: clinical testing. Allele origin: germline.
Comment: The WDPCP c.22+5G>C variant is predicted to interfere with splicing. To our knowledge, this variant has not been reported in the literature or in a large population database (gnomAD), indicating this variant is rare. At this time, the clinical significance of this variant is uncertain due to the absence of conclusive functional and genetic evidence.